The following is an entry in ClinVar:

ClinVar aggregate classification (germline): Uncertain significance (1 of 4 stars; one submission).

Conditions:
Emery-Dreifuss muscular dystrophy 5, autosomal dominant (EDMD5). Also called: EMERY-DREIFUSS MUSCULAR DYSTROPHY 5. Identifiers: Orphanet 261, MedGen C2751805, MONDO:0013072, OMIM 612999.

Submission:

Labcorp Genetics (formerly Invitae), Labcorp
Classification: Uncertain significance for Emery-Dreifuss muscular dystrophy 5, autosomal dominant. Last evaluated: 2021-06-17. Review status: criteria provided, single submitter. Criteria: Invitae Variant Classification Sherloc (09022015). Collection method: clinical testing. Allele origin: germline.
Comment: Algorithms developed to predict the effect of missense changes on protein structure and function are either unavailable or do not agree on the potential impact of this missense change (SIFT: "Deleterious"; PolyPhen-2: "Probably Damaging"; Align-GVGD: "Class C0"). This sequence change replaces glutamine with histidine at codon 6108 of the SYNE2 protein (p.Gln6108His). The glutamine residue is moderately conserved and there is a small physicochemical difference between glutamine and histidine. This variant is not present in population databases (ExAC no frequency). This variant has not been reported in the literature in individuals with SYNE2-related conditions. In summary, the available evidence is currently insufficient to determine the role of this variant in disease. Therefore, it has been classified as a Variant of Uncertain Significance.

NM_182914.3(SYNE2):c.18324G>T (p.Gln6108His)

Gene: SYNE2 (spectrin repeat containing nuclear envelope protein 2; plus strand). Cytogenetic location: 14q23.2.
Variant type: single nucleotide variant.
Coding change: c.18324G>T on transcript NM_182914.3 (MANE Select); coding-DNA position 18324, G replaced by T.
Protein change: p.Gln6108His; replaces glutamine 6108 with histidine.
Molecular consequence: missense variant.
Genome position (GRCh38, 1-based): chr14:64,208,880, G>T. VCF-style: chr14-64208880-G-T. GRCh37 (hg19) VCF-style: chr14-64675598-G-T.
Other names: c.18324G>T, p.Gln6108His (NM_015180.6); short protein forms Q6108H.
Identifiers: ClinVar variation 1410171 (VCV001410171.8), dbSNP rs1761645258, ClinGen allele CA389948770.